The following is an entry in ClinVar:

NM_007294.4(BRCA1):c.-19-1G>C

Gene: BRCA1 (BRCA1 DNA repair associated; minus strand). Cytogenetic location: 17q21.31.
Variant type: single nucleotide variant.
Coding change: c.-19-1G>C on transcript NM_007294.4 (MANE Select); the canonical splice acceptor site of the intron before 19 bases upstream of the start codon, G replaced by C.
Molecular consequence: splice acceptor variant. On other transcripts: intron variant (66), 5 prime UTR variant (10).
Genome position (GRCh38, 1-based): chr17:43,124,116, C>G on the plus strand (G>C on the coding strand, the complement: BRCA1 is on the minus strand). VCF-style: chr17-43124116-C-G. GRCh37 (hg19) VCF-style: chr17-41276133-C-G.
Other names: c.-421-1G>C (NM_001407696.1); c.-225-1G>C (NM_001407751.1, NM_001407726.1); c.-326-1G>C (NM_001407954.1, NM_001407917.1, NM_001408513.1); c.-279-1G>C (NM_001408504.1, NM_001408463.1, NM_001407847.1 and 22 more transcripts); c.-19-1G>C (NM_001408422.1, NM_001407874.1, NM_001408416.1 and 159 more transcripts); c.-276-1G>C (NM_001407727.1, NM_001407930.1, NM_001407843.1 and 11 more transcripts); c.-109+1066G>C (NM_001407896.1); c.-225+1066G>C (NM_001407900.1); and 28 more.
Identifiers: ClinVar variation 867643 (VCV000867643.2), dbSNP rs569074958, ClinGen allele CA916081177.

Conditions:
Breast-ovarian cancer, familial, susceptibility to, 1 (BROVCA1). Also called: BRCA1 Hereditary Breast and Ovarian Cancer; OVARIAN CANCER, SUSCEPTIBILITY TO. Identifiers: Orphanet 145, MedGen C2676676, MONDO:0011450, OMIM 604370. Disease mechanism: loss of function.

Submission:

Brotman Baty Institute, University of Washington
No classification provided (evidence only). Condition: Breast-ovarian cancer, familial 1. Review status: no classification provided. Collection method: in vitro. Allele origin: not applicable. Functional consequence: functionally_normal.
ClinVar note: "not provided" was previously submitted as the classification for the variant. However, the classification appeared to be based only on an observation of functional data so it was converted to no classification on 2025-07-30.